The following is an entry in ClinVar:

ClinVar aggregate classification (germline): Uncertain significance. Review status: criteria provided, multiple submitters, no conflicts (2 of 4 stars). 2 submissions from 2 submitters: Uncertain significance (2). Last evaluated 2024-08-12.

Conditions:
Inborn genetic diseases. Identifiers: MedGen C0950123, MeSH D030342.
Cerebroretinal microangiopathy with calcifications and cysts 1 (CRMCC1). Identifiers: Orphanet 313838, MedGen C4552029, MONDO:0024564, OMIM 612199.
Dyskeratosis congenita. Identifiers: Orphanet 1775, MedGen C0265965, MONDO:0015780.

Allele frequency attached by ClinVar (database versions not stated): gnomAD 0.00001; gnomAD exomes 0.00001.

Submissions (2):

Labcorp Genetics (formerly Invitae), Labcorp
Classification: Uncertain significance for Dyskeratosis congenita. Last evaluated: 2024-08-12. Review status: criteria provided, single submitter. Criteria: Invitae Variant Classification Sherloc (09022015). Collection method: clinical testing. Allele origin: germline.
Comment: This sequence change replaces glutamine, which is neutral and polar, with arginine, which is basic and polar, at codon 538 of the CTC1 protein (p.Gln538Arg). This variant is present in population databases (no rsID available, gnomAD 0.003%). This variant has not been reported in the literature in individuals affected with CTC1-related conditions. ClinVar contains an entry for this variant (Variation ID: 1521664). Advanced modeling of protein sequence and biophysical properties (such as structural, functional, and spatial information, amino acid conservation, physicochemical variation, residue mobility, and thermodynamic stability) performed at Invitae indicates that this missense variant is not expected to disrupt CTC1 protein function with a negative predictive value of 80%. In summary, the available evidence is currently insufficient to determine the role of this variant in disease. Therefore, it has been classified as a Variant of Uncertain Significance.

Ambry Genetics
Classification: Uncertain significance for Inborn genetic diseases. Last evaluated: 2024-02-06. Review status: criteria provided, single submitter. Criteria: Ambry Variant Classification Scheme 2023. Collection method: clinical testing. Allele origin: germline.

NM_025099.6(CTC1):c.1613A>G (p.Gln538Arg)

Gene: CTC1 (CST telomere replication complex component 1; minus strand). Cytogenetic location: 17p13.1.
Variant type: single nucleotide variant.
Coding change: c.1613A>G on transcript NM_025099.6 (MANE Select); coding-DNA position 1613, A replaced by G.
Protein change: p.Gln538Arg; replaces glutamine 538 with arginine.
Molecular consequence: missense variant. On other transcripts: non-coding transcript variant (1).
Genome position (GRCh38, 1-based): chr17:8,234,753, T>C on the plus strand (A>G on the coding strand, the complement: CTC1 is on the minus strand). VCF-style: chr17-8234753-T-C. GRCh37 (hg19) VCF-style: chr17-8138071-T-C.
Other names: c.1613A>G (NM_025099.5); short protein forms Q538R.
Identifiers: ClinVar variation 1521664 (VCV001521664.9), dbSNP rs1371252082, ClinGen allele CA397983544.
Genomic context (GRCh38, chr17:8,234,753, plus strand): 5'-TGGGCCCCAGGTGTCCTCCAGTGTTCTGCCACCATCCTTCCCCCACATCCTCATACTTTC[T>C]GGAGGGGACAGTGATGTGGCTCTTCAAGGATCTCATTGTGTGCATTCCGAACAGGGCTGC-3'
Protein context (NP_079375.3, residues 528-548): ILEEPHHCPL[Gln538Arg]KYTRLQTPSS